The following is an entry in ClinVar:

ClinVar aggregate classification (germline): Benign. Review status: criteria provided, multiple submitters, no conflicts (2 of 4 stars). 4 submissions from 4 submitters: Benign (4). Last evaluated 2021-09-05.

Conditions:
Premature ovarian failure 5 (POF5). Identifiers: MedGen C1969060, MONDO:0012689, OMIM 611548.

Allele frequency attached by ClinVar (database versions not stated): gnomAD exomes 0.59416 and 0.63341; ESP Exome Variant Server 0.59957; gnomAD 0.60213 and 0.61165; TOPMed 0.61479; ExAC 0.67570; 1000 Genomes Project 30x 0.69909; 1000 Genomes Project 0.70627.
gnomAD v4.1: 949,957 of 1,591,958 alleles (60%); highest among the groups gnomAD compares: South Asian, 80%; 287,660 homozygotes.

Submissions (4):

Genome-Nilou Lab
Classification: Benign for Premature ovarian failure 5. Last evaluated: 2021-09-05. Review status: criteria provided, single submitter. Criteria: ACMG Guidelines, 2015. Collection method: clinical testing. Allele origin: germline. Affected: no.

Illumina Laboratory Services, Illumina
Classification: Benign for Premature ovarian failure 5. Last evaluated: 2017-04-27. Review status: criteria provided, single submitter. Criteria: ICSL Variant Classification Criteria 13 December 2019. Collection method: clinical testing. Allele origin: germline.
Comment: This variant was observed as part of a predisposition screen in an ostensibly healthy population. A literature search was performed for the gene, cDNA change, and amino acid change (where applicable). No publications were found based on this search. Allele frequency data from public databases was too high to be consistent with this variant causing disease. Therefore, this variant is classified as benign.

GeneDx
Classification: Benign. Last evaluated: 2015-03-03. Review status: criteria provided, single submitter. Criteria: GeneDx Variant Classification Process June 2021. Collection method: clinical testing. Allele origin: germline. Affected: yes.

Breakthrough Genomics
Classification: Benign. Review status: criteria provided, single submitter. Criteria: ACMG Guidelines, 2015. Collection method: not provided. Allele origin: germline. Inheritance: Autosomal dominant inheritance. Affected: yes.

NM_001436401.1(NOBOX):c.803+11T>C

Gene: NOBOX (NOBOX oogenesis homeobox; minus strand). Cytogenetic location: 7q35.
Variant type: single nucleotide variant.
Coding change: c.803+11T>C on transcript NM_001436401.1 (MANE Select); 11 bases into the intron after coding-DNA position 803, T replaced by C.
Molecular consequence: intron variant.
Genome position (GRCh38, 1-based): chr7:144,399,746, A>G on the plus strand (T>C on the coding strand, the complement: NOBOX is on the minus strand). VCF-style: chr7-144399746-A-G. GRCh37 (hg19) VCF-style: chr7-144096839-A-G.
Other names: NM_001080413.3:c.1154+11T>C; c.251+11T>C (NM_001436402.1).
Identifiers: ClinVar variation 359144 (VCV000359144.11), dbSNP rs757388, ClinGen allele CA4544642.
Genomic context (GRCh38, chr7:144,399,746, plus strand): 5'-GACCCTCAGGATCCCAGCTTGGACCCCACTTCTACCCACAGGGATGATACAGAAAGAGGA[A>G]GAATTCTGACCTGCATTGACTGCTGGCAGGGCCAGGGGCTGCAGGATTGTCCTTGCTTTC-3'